The following is an entry in ClinVar:

NM_021619.3(PRDM12):c.989T>C (p.Leu330Pro)

Gene: PRDM12 (PR/SET domain 12; plus strand). Cytogenetic location: 9q34.12.
Variant type: single nucleotide variant.
Coding change: c.989T>C on transcript NM_021619.3 (MANE Select); coding-DNA position 989, T replaced by C.
Protein change: p.Leu330Pro; replaces leucine 330 with proline.
Molecular consequence: missense variant.
Genome position (GRCh38, 1-based): chr9:130,681,554, T>C. VCF-style: chr9-130681554-T-C. GRCh37 (hg19) VCF-style: chr9-133556941-T-C.
Other names: short protein forms L330P.
Identifiers: ClinVar variation 2178230 (VCV002178230.4), dbSNP rs1302507966, ClinGen allele CA375245127.

ClinVar aggregate classification (germline): Uncertain significance (1 of 4 stars; one submission).

Conditions:
Congenital insensitivity to pain-hypohidrosis syndrome. Also called: HSAN VIII; Neuropathy, hereditary sensory and autonomic, type VIII. Identifiers: Orphanet 478664, MedGen C4225308, MONDO:0014662, OMIM 616488.

Submission:

Labcorp Genetics (formerly Invitae), Labcorp
Classification: Uncertain significance for Congenital insensitivity to pain-hypohidrosis syndrome. Last evaluated: 2023-08-17. Review status: criteria provided, single submitter. Criteria: Invitae Variant Classification Sherloc (09022015). Collection method: clinical testing. Allele origin: germline.
Comment: This sequence change replaces leucine, which is neutral and non-polar, with proline, which is neutral and non-polar, at codon 330 of the PRDM12 protein (p.Leu330Pro). The frequency data for this variant in the population databases is considered unreliable, as metrics indicate insufficient coverage at this position in the gnomAD database. This variant has not been reported in the literature in individuals affected with PRDM12-related conditions. ClinVar contains an entry for this variant (Variation ID: 2178230). Experimental studies and prediction algorithms are not available or were not evaluated, and the functional significance of this variant is currently unknown. In summary, the available evidence is currently insufficient to determine the role of this variant in disease. Therefore, it has been classified as a Variant of Uncertain Significance.